The following is an entry in ClinVar:

ClinVar aggregate classification (germline): Likely benign (1 of 4 stars; one submission).

Allele frequency attached by ClinVar (database versions not stated): TOPMed 0.00003; gnomAD 0.00007.
gnomAD v4.1: 19 of 545,948 alleles (0.0035%); highest among the groups gnomAD compares: African/African-American, 0.018%; no homozygotes.

Submission:

CeGaT Center for Human Genetics Tuebingen
Classification: Likely benign. Last evaluated: 2023-01-01. Review status: criteria provided, single submitter. Criteria: CeGaT Center For Human Genetics Tuebingen Variant Classification Criteria Version 2. Collection method: clinical testing. Allele origin: germline. Affected: yes. Observed: 1 variant allele.
Comment: CEP57: BP4, BP7

NM_014679.5(CEP57):c.46-3673T>C

Gene: CEP57 (centrosomal protein 57; plus strand). Cytogenetic location: 11q21.
Variant type: single nucleotide variant.
Coding change: c.46-3673T>C on transcript NM_014679.5 (MANE Select); 3673 bases into the intron before coding-DNA position 46, T replaced by C.
Molecular consequence: intron variant. On other transcripts: synonymous variant (1).
Genome position (GRCh38, 1-based): chr11:95,795,559, T>C. VCF-style: chr11-95795559-T-C. GRCh37 (hg19) VCF-style: chr11-95528723-T-C.
Other names: c.18T>C, p.Asp6= (NM_001243776.2); c.-37+1026T>C (NM_001363604.2); c.46-3673T>C (NM_001243777.2).
Identifiers: ClinVar variation 2642304 (VCV002642304.24), dbSNP rs1224974710, ClinGen allele CA600868364.